The following is an entry in ClinVar:

NM_007294.4(BRCA1):c.2611C>T (p.Pro871Ser)

Gene: BRCA1 (BRCA1 DNA repair associated; minus strand). Cytogenetic location: 17q21.31.
Variant type: single nucleotide variant.
Coding change: c.2611C>T on transcript NM_007294.4 (MANE Select); coding-DNA position 2611, C replaced by T.
Protein change: p.Pro871Ser; replaces proline 871 with serine.
Molecular consequence: missense variant. On other transcripts: intron variant (137).
Genome position (GRCh38, 1-based): chr17:43,092,920, G>A on the plus strand (C>T on the coding strand, the complement: BRCA1 is on the minus strand). VCF-style: chr17-43092920-G-A. GRCh37 (hg19) VCF-style: chr17-41244937-G-A.
Other names: c.2398C>T, p.Pro800Ser (NM_001407571.1, NM_001407853.1, NM_001407894.1 and 9 more transcripts); c.2611C>T, p.Pro871Ser (NM_001407581.1, NM_001407582.1, NM_001407583.1 and 30 more transcripts); c.2608C>T, p.Pro870Ser (NM_001407587.1, NM_001407590.1, NM_001407591.1 and 22 more transcripts); c.2602C>T, p.Pro868Ser (NM_001407646.1, NM_001407647.1); c.2488C>T, p.Pro830Ser (NM_001407648.1, NM_001407664.1, NM_001407665.1 and 19 more transcripts); c.2485C>T, p.Pro829Ser (NM_001407649.1, NM_001407670.1, NM_001407671.1 and 11 more transcripts); c.2533C>T, p.Pro845Ser (NM_001407653.1, NM_001407654.1, NM_001407655.1 and 4 more transcripts); c.2530C>T, p.Pro844Ser (NM_001407659.1, NM_001407660.1, NM_001407661.1 and 1 more transcripts); and 41 more; short protein forms P824S, P871S, P575S, P782S, P804S, P829S, P743S, P744S.
Identifiers: ClinVar variation 1310394 (VCV001310394.5), dbSNP rs2154368683, ClinGen allele CA10596772.

ClinVar aggregate classification (germline): Conflicting classifications of pathogenicity. Review status: criteria provided, conflicting classifications (1 of 4 stars). 2 submissions from 2 submitters: Uncertain significance (1); Likely benign (1). Last evaluated 2023-03-23.

Conditions:
Hereditary cancer-predisposing syndrome. Also called: Tumor predisposition; Neoplastic Syndromes, Hereditary; Hereditary Cancer Syndrome; Hereditary neoplastic syndrome. Identifiers: Orphanet 140162, MedGen C0027672, MeSH D009386, MONDO:0015356.

Submissions (2):

University of Washington Department of Laboratory Medicine, University of Washington
Classification: Likely benign for Hereditary cancer-predisposing syndrome. Last evaluated: 2023-03-23. Review status: criteria provided, single submitter. Criteria: Dines et al. (Genet Med. 2020). Collection method: curation. Allele origin: germline.
Comment: Missense variant in a coldspot region where missense variants are very unlikely to be pathogenic (PMID:31911673).

BRCA1 coldspot (exon 11 using historical exon numbering). Reclassification based on statistical prior probability

GeneDx
Classification: Uncertain significance. Last evaluated: 2019-11-12. Review status: criteria provided, single submitter. Criteria: GeneDx Variant Classification Process June 2021. Collection method: clinical testing. Allele origin: germline. Affected: yes.
Comment: Has not been previously published as pathogenic or benign to our knowledge; Not observed in large population cohorts (Lek 2016); In silico analysis, which includes protein predictors and evolutionary conservation, supports that this variant does not alter protein structure/function; Also known as BRCA1 2730C>T; This variant is associated with the following publications: (PMID: 27974384)